The following is an entry in ClinVar:

NM_005802.5(TOPORS):c.536G>A (p.Arg179His)

Gene: TOPORS (TOP1 binding arginine/serine rich protein, E3 ubiquitin ligase; minus strand). Cytogenetic location: 9p21.1.
Variant type: single nucleotide variant.
Coding change: c.536G>A on transcript NM_005802.5 (MANE Select); coding-DNA position 536, G replaced by A.
Protein change: p.Arg179His; replaces arginine 179 with histidine.
Molecular consequence: missense variant.
Genome position (GRCh38, 1-based): chr9:32,543,989, C>T on the plus strand (G>A on the coding strand, the complement: TOPORS is on the minus strand). VCF-style: chr9-32543989-C-T. GRCh37 (hg19) VCF-style: chr9-32543987-C-T.
Other names: c.536G>A (NM_005802.4); c.341G>A, p.Arg114His (NM_001195622.2); short protein forms R179H, R114H.
Identifiers: ClinVar variation 1044260 (VCV001044260.9), dbSNP rs755472878, ClinGen allele CA5020633.

ClinVar aggregate classification (germline): Uncertain significance. Review status: criteria provided, multiple submitters, no conflicts (2 of 4 stars). 2 submissions from 2 submitters: Uncertain significance (2). Last evaluated 2024-12-16.

Conditions:
Inborn genetic diseases. Identifiers: MedGen C0950123, MeSH D030342.

Allele frequency attached by ClinVar (database versions not stated): TOPMed 0.00001; gnomAD exomes 0.00002 and 0.00003; ExAC 0.00004.
gnomAD v4.1: 33 of 1,614,072 alleles (0.002%); highest among the groups gnomAD compares: South Asian, 0.0099%; 1 homozygote.

Submissions (2):

Labcorp Genetics (formerly Invitae), Labcorp
Classification: Uncertain significance. Last evaluated: 2024-12-16. Review status: criteria provided, single submitter. Criteria: Invitae Variant Classification Sherloc (09022015). Collection method: clinical testing. Allele origin: germline.
Comment: This sequence change replaces arginine, which is basic and polar, with histidine, which is basic and polar, at codon 179 of the TOPORS protein (p.Arg179His). This variant is present in population databases (rs755472878, gnomAD 0.02%), including at least one homozygous and/or hemizygous individual. This variant has not been reported in the literature in individuals affected with TOPORS-related conditions. ClinVar contains an entry for this variant (Variation ID: 1044260). An algorithm developed to predict the effect of missense changes on protein structure and function (PolyPhen-2) suggests that this variant is likely to be disruptive. In summary, the available evidence is currently insufficient to determine the role of this variant in disease. Therefore, it has been classified as a Variant of Uncertain Significance.

Ambry Genetics
Classification: Uncertain significance for Inborn genetic diseases. Last evaluated: 2024-03-31. Review status: criteria provided, single submitter. Criteria: Ambry Variant Classification Scheme 2023. Collection method: clinical testing. Allele origin: germline.